The following is an entry in ClinVar:

ClinVar aggregate classification (germline): Pathogenic/Likely pathogenic. Review status: criteria provided, multiple submitters, no conflicts (2 of 4 stars). 6 submissions from 6 submitters: Pathogenic (3); Likely pathogenic (2). 1 of the submissions does not count toward it. Last evaluated 2025-11-06.

Conditions:
Argininosuccinate lyase deficiency. Also called: ARGININOSUCCINIC ACID LYASE DEFICIENCY; ASL DEFICIENCY; Argininosuccinic aciduria. Identifiers: Orphanet 23, MedGen C0268547, MONDO:0008815, OMIM 207900, HP:0025630.

Allele frequency attached by ClinVar (database versions not stated): gnomAD exomes below 0.00001; gnomAD 0.00002; TOPMed 0.00002.

Submissions (6):

Labcorp Genetics (formerly Invitae), Labcorp
Classification: Pathogenic for Argininosuccinate lyase deficiency. Last evaluated: 2025-11-06. Review status: criteria provided, single submitter. Criteria: Invitae Variant Classification Sherloc (09022015). Collection method: clinical testing. Allele origin: germline.
Comment: This sequence change replaces arginine, which is basic and polar, with glutamine, which is neutral and polar, at codon 213 of the ASL protein (p.Arg213Gln). This variant is present in population databases (no rsID available, gnomAD 0.01%). This missense change has been observed in individual(s) with argininosuccinate lyase deficiency (PMID: 24166829, 31709144; internal data). ClinVar contains an entry for this variant (Variation ID: 558682). Invitae Evidence Modeling of protein sequence and biophysical properties (such as structural, functional, and spatial information, amino acid conservation, physicochemical variation, residue mobility, and thermodynamic stability) indicates that this missense variant is expected to disrupt ASL protein function with a positive predictive value of 95%. For these reasons, this variant has been classified as Pathogenic.

Revvity Omics, Revvity
Classification: Likely pathogenic for Argininosuccinate lyase deficiency. Last evaluated: 2024-02-26. Review status: criteria provided, single submitter. Criteria: ACMG Guidelines, 2015. Collection method: clinical testing. Allele origin: germline.

Women's Health and Genetics/Laboratory Corporation of America, LabCorp
Classification: Pathogenic for Argininosuccinate lyase deficiency. Last evaluated: 2023-05-23. Review status: criteria provided, single submitter. Criteria: LabCorp Variant Classification Summary - May 2015. Collection method: clinical testing. Allele origin: germline.
Comment: Variant summary: ASL c.638G>A (p.Arg213Gln) results in a conservative amino acid change to a highly conserved residue (HGMD) located in the Fumarate lyase, N-terminal (IPR022761) of the encoded protein sequence. Four of five in-silico tools predict a damaging effect of the variant on protein function. The variant was absent in 245196 control chromosomes (gnomAD). c.638G>A has been reported in the literature in multiple individuals affected with Argininosuccinic Aciduria (Ali_2019, Balmer_2014), and one was reported as compound heterozygous with another pathogenic variant. These data indicate that the variant is very likely to be associated with disease. The following publications have been ascertained in the context of this evaluation (PMID: 31709144, 24166829). Three clinical diagnostic laboratories have submitted clinical-significance assessments for this variant to ClinVar after 2014, and classified it as pathogenic/likely pathogenic (n=2) or VUS (n=1). Based on the evidence outlined above, the variant was classified as pathogenic.

GeneDx
Classification: Likely pathogenic. Last evaluated: 2022-12-09. Review status: criteria provided, single submitter. Criteria: GeneDx Variant Classification Process June 2021. Collection method: clinical testing. Allele origin: germline. Affected: yes.
Comment: In silico analysis supports that this missense variant has a deleterious effect on protein structure/function; Not observed at significant frequency in large population cohorts (gnomAD); This variant is associated with the following publications: (PMID: 24166829, 31709144)

Baylor Genetics
Classification: Pathogenic for Argininosuccinate lyase deficiency. Last evaluated: 2022-07-16. Review status: criteria provided, single submitter. Criteria: ACMG Guidelines, 2015. Collection method: clinical testing. Allele origin: unknown.

Counsyl
Classification: Uncertain significance for Argininosuccinate lyase deficiency. Last evaluated: 2018-06-04. Review status: no assertion criteria provided. Collection method: clinical testing. Allele origin: unknown. Not counted in ClinVar's aggregate classification.

Literature cited by the submitters: PubMed 24166829 (cited by 3 submitters); PubMed 31709144 (cited by Labcorp Genetics (formerly Invitae), Labcorp and Women's Health and Genetics/Laboratory Corporation of America, LabCorp).

NM_000048.4(ASL):c.638G>A (p.Arg213Gln)

Gene: ASL (argininosuccinate lyase; plus strand). Cytogenetic location: 7q11.21.
Variant type: single nucleotide variant.
Coding change: c.638G>A on transcript NM_000048.4 (MANE Select); coding-DNA position 638, G replaced by A.
Protein change: p.Arg213Gln; replaces arginine 213 with glutamine.
Molecular consequence: missense variant.
Genome position (GRCh38, 1-based): chr7:66,087,369, G>A. VCF-style: chr7-66087369-G-A. GRCh37 (hg19) VCF-style: chr7-65552356-G-A.
Other names: c.638G>A, p.Arg213Gln (NM_001024943.2, NM_001024944.2); c.560G>A, p.Arg187Gln (NM_001024946.2); short protein forms R213Q, R187Q.
Identifiers: ClinVar variation 558682 (VCV000558682.13), dbSNP rs1449589636, ClinGen allele CA367642974.